The following is an entry in ClinVar:

NM_001271938.2(MEGF8):c.326C>T (p.Pro109Leu)

Gene: MEGF8 (multiple EGF like domains 8; plus strand). Cytogenetic location: 19q13.2.
Variant type: single nucleotide variant.
Coding change: c.326C>T on transcript NM_001271938.2 (MANE Select); coding-DNA position 326, C replaced by T.
Protein change: p.Pro109Leu; replaces proline 109 with leucine.
Molecular consequence: missense variant.
Genome position (GRCh38, 1-based): chr19:42,333,743, C>T. VCF-style: chr19-42333743-C-T. GRCh37 (hg19) VCF-style: chr19-42837895-C-T.
Other names: c.326C>T, p.Pro109Leu (NM_001410.3); short protein forms P109L.
Identifiers: ClinVar variation 435856 (VCV000435856.9), dbSNP rs768036287, ClinGen allele CA9474123.

ClinVar aggregate classification (germline): Uncertain significance. Review status: criteria provided, multiple submitters, no conflicts (2 of 4 stars). 3 submissions from 3 submitters: Uncertain significance (3). Last evaluated 2024-03-07.

Conditions:
Inborn genetic diseases. Identifiers: MedGen C0950123, MeSH D030342.
MEGF8-related Carpenter syndrome. Also called: Carpenter syndrome 2. Identifiers: Orphanet 65759, MedGen C3554247, MONDO:0013998, OMIM 614976.

Allele frequency attached by ClinVar (database versions not stated): TOPMed 0.00001; gnomAD 0.00003.
gnomAD v4.1: 98 of 1,613,844 alleles (0.0061%); highest among the groups gnomAD compares: South Asian, 0.075%; no homozygotes.

Submissions (3):

Ambry Genetics
Classification: Uncertain significance for Inborn genetic diseases. Last evaluated: 2024-03-07. Review status: criteria provided, single submitter. Criteria: Ambry Variant Classification Scheme 2023. Collection method: clinical testing. Allele origin: germline.

Labcorp Genetics (formerly Invitae), Labcorp
Classification: Uncertain significance for MEGF8-related Carpenter syndrome. Last evaluated: 2021-12-02. Review status: criteria provided, single submitter. Criteria: Invitae Variant Classification Sherloc (09022015). Collection method: clinical testing. Allele origin: germline.
Comment: This sequence change replaces proline, which is neutral and non-polar, with leucine, which is neutral and non-polar, at codon 109 of the MEGF8 protein (p.Pro109Leu). This variant is present in population databases (rs768036287, gnomAD 0.09%). This variant has not been reported in the literature in individuals affected with MEGF8-related conditions. ClinVar contains an entry for this variant (Variation ID: 435856). Algorithms developed to predict the effect of missense changes on protein structure and function output the following: SIFT: "Tolerated"; PolyPhen-2: "Benign"; Align-GVGD: "Class C0". The leucine amino acid residue is found in multiple mammalian species, which suggests that this missense change does not adversely affect protein function. In summary, the available evidence is currently insufficient to determine the role of this variant in disease. Therefore, it has been classified as a Variant of Uncertain Significance.

Genetic Services Laboratory, University of Chicago
Classification: Uncertain significance. Last evaluated: 2017-02-02. Review status: criteria provided, single submitter. Criteria: ACMG Guidelines, 2015. Collection method: clinical testing. Allele origin: germline. Affected: no.